The following is an entry in ClinVar:

ClinVar aggregate classification (germline): Uncertain significance. Review status: criteria provided, multiple submitters, no conflicts (2 of 4 stars). 2 submissions from 2 submitters: Uncertain significance (2). Last evaluated 2025-04-27.

Conditions:
Charcot-Marie-Tooth disease type 2. Also called: Charcot-Marie-Tooth type 2. Identifiers: Orphanet 64746, MedGen C0270914, MONDO:0018993.

Allele frequency attached by ClinVar (database versions not stated): TOPMed below 0.00001; gnomAD exomes 0.00002 and 0.00003; ExAC 0.00002.
gnomAD v4.1: 43 of 1,613,442 alleles (0.0027%); highest among the groups gnomAD compares: East Asian, 0.0045%; no homozygotes.

Submissions (2):

Labcorp Genetics (formerly Invitae), Labcorp
Classification: Uncertain significance for Charcot-Marie-Tooth disease type 2. Last evaluated: 2025-04-27. Review status: criteria provided, single submitter. Criteria: Invitae Variant Classification Sherloc (09022015). Collection method: clinical testing. Allele origin: germline.
Comment: This sequence change replaces arginine, which is basic and polar, with tryptophan, which is neutral and slightly polar, at codon 519 of the KIF1B protein (p.Arg519Trp). This variant is present in population databases (rs758740011, gnomAD 0.005%). This variant has not been reported in the literature in individuals affected with KIF1B-related conditions. ClinVar contains an entry for this variant (Variation ID: 1482301). An algorithm developed to predict the effect of missense changes on protein structure and function (PolyPhen-2) suggests that this variant is likely to be disruptive. In summary, the available evidence is currently insufficient to determine the role of this variant in disease. Therefore, it has been classified as a Variant of Uncertain Significance.

Ambry Genetics
Classification: Uncertain significance. Last evaluated: 2025-04-22. Review status: criteria provided, single submitter. Criteria: Ambry Variant Classification Scheme 2023. Collection method: clinical testing. Allele origin: germline.
Comment: The p.R519W variant (also known as c.1555C>T), located in coding exon 16 of the KIF1B gene, results from a C to T substitution at nucleotide position 1555. The arginine at codon 519 is replaced by tryptophan, an amino acid with dissimilar properties. This amino acid position is well conserved in available vertebrate species. In addition, the in silico prediction for this alteration is inconclusive. The evidence for this gene-disease relationship is limited; therefore, the clinical significance of this alteration is unclear.

NM_001365951.3(KIF1B):c.1693C>T (p.Arg565Trp)

Gene: KIF1B (kinesin family member 1B; plus strand). Cytogenetic location: 1p36.22.
Variant type: single nucleotide variant.
Coding change: c.1693C>T on transcript NM_001365951.3 (MANE Select); coding-DNA position 1693, C replaced by T.
Protein change: p.Arg565Trp; replaces arginine 565 with tryptophan.
Molecular consequence: missense variant.
Genome position (GRCh38, 1-based): chr1:10,295,682, C>T. VCF-style: chr1-10295682-C-T. GRCh37 (hg19) VCF-style: chr1-10355740-C-T.
Other names: c.1693C>T, p.Arg565Trp (NM_001365952.1); c.1555C>T, p.Arg519Trp (NM_001365953.1, NM_015074.3, NM_183416.4); short protein forms R519W, R565W.
Identifiers: ClinVar variation 1482301 (VCV001482301.11), dbSNP rs758740011, ClinGen allele CA581054.